The following is an entry in ClinVar:

ClinVar aggregate classification (germline): Likely benign (1 of 4 stars; one submission).

Conditions:
Familial cancer of breast. Also called: BREAST CANCER, FAMILIAL; Hereditary breast cancer; hereditary breast carcinoma. Identifiers: Orphanet 227535, MedGen C0346153, MONDO:0016419, OMIM 114480. Disease mechanism: loss of function.

Submission:

Myriad Genetics, Inc.
Classification: Likely benign for Familial cancer of breast. Last evaluated: 2024-05-16. Review status: criteria provided, single submitter. Criteria: Myriad Autosomal Dominant, Autosomal Recessive and X-Linked Classification Criteria (2023). Collection method: clinical testing. Allele origin: unknown.
Comment: This variant is considered likely benign. This variant is intronic and is not expected to impact mRNA splicing.

NM_000051.4(ATM):c.4109+9A>T

Gene: ATM (ATM serine/threonine kinase; plus strand). Cytogenetic location: 11q22.3.
Variant type: single nucleotide variant.
Coding change: c.4109+9A>T on transcript NM_000051.4 (MANE Select); 9 bases into the intron after coding-DNA position 4109, A replaced by T.
Molecular consequence: intron variant.
Genome position (GRCh38, 1-based): chr11:108,287,724, A>T. VCF-style: chr11-108287724-A-T. GRCh37 (hg19) VCF-style: chr11-108158451-A-T.
Other names: c.4109+9A>T (NM_001351834.2).
Identifiers: ClinVar variation 3254207 (VCV003254207.1), dbSNP rs730881289.